The following is an entry in ClinVar:

ClinVar aggregate classification (germline): Pathogenic (1 of 4 stars; one submission).

Submission:

Labcorp Genetics (formerly Invitae), Labcorp
Classification: Pathogenic. Last evaluated: 2021-07-28. Review status: criteria provided, single submitter. Criteria: Invitae Variant Classification Sherloc (09022015). Collection method: clinical testing. Allele origin: germline.
Comment: For these reasons, this variant has been classified as Pathogenic. This variant has not been reported in the literature in individuals affected with LARP7-related conditions. This variant is not present in population databases (ExAC no frequency). This sequence change creates a premature translational stop signal (p.Glu238Argfs*12) in the LARP7 gene. It is expected to result in an absent or disrupted protein product. Loss-of-function variants in LARP7 are known to be pathogenic (PMID: 22865833, 26374271, 26607181).

Literature cited by the submitters: PubMed 22865833; PubMed 26374271; PubMed 26607181.

NM_016648.4(LARP7):c.712_713del (p.Glu238fs)

Genes: LARP7 (La ribonucleoprotein 7, transcriptional regulator; plus strand), MIR302CHG (miR-302/367 cluster host gene; minus strand). Cytogenetic location: 4q25.
Variant type: Deletion.
Coding change: c.712_713del on transcript NM_016648.4 (MANE Select); coding-DNA positions 712 to 713, 2 bases deleted (GA; older notation c.712_713delGA).
Protein change: p.Glu238fs; shifts the reading frame from glutamic acid 238.
Molecular consequence: frameshift variant.
Genome position (GRCh38, 1-based): chr4:112,647,264-112,647,265, GA deleted; deleting any 2 consecutive bases within chr4:112,647,263-112,647,265 gives the same sequence; the c. name uses the placement nearest the transcript's 3' end. VCF-style (leftmost placement, unchanged base first): chr4-112647262-AAG-A. GRCh37 (hg19) VCF-style: chr4-113568418-AAG-A.
Other names: c.709_710del, p.Glu237fs (NM_001370977.1, NM_001370979.1, NM_001370980.1 and 1 more transcripts); c.712_713del, p.Glu238fs (NM_001370978.1, NM_015454.3, NM_001267039.4 and 2 more transcripts); c.475_476del, p.Glu159fs (NM_001370981.1, NM_001370982.1); short protein forms E159fs, E237fs, E238fs.
Identifiers: ClinVar variation 1355037 (VCV001355037.7), dbSNP rs2149265835, ClinGen allele CA2573137967.
Genomic context (GRCh38, chr4:112,647,262, plus strand): 5'-AGAAGAAAAAGAAAAAGAAGAAGAAAGGCCGAATGAAAAAGGAAGACAATATCCAAGCCA[AAG>A]AAGAAAACATGGACACAAGCAACACCAGCATCAGTAAAATGAAAAGATCCAGACCCACAT-3'